The following is an entry in ClinVar:

ClinVar aggregate classification (germline): Uncertain significance. Review status: criteria provided, multiple submitters, no conflicts (2 of 4 stars). 2 submissions from 2 submitters: Uncertain significance (2). Last evaluated 2024-07-26.

Allele frequency attached by ClinVar (database versions not stated): gnomAD exomes below 0.00001.
gnomAD v4.1: 1 of 1,612,084 alleles (0.000062%); highest among the groups gnomAD compares: East Asian, 0.0022%; no homozygotes.

Submissions (2):

GeneDx
Classification: Uncertain significance. Last evaluated: 2024-07-26. Review status: criteria provided, single submitter. Criteria: GeneDx Variant Classification Process June 2021. Collection method: clinical testing. Allele origin: germline. Affected: yes.
Comment: Not observed at significant frequency in large population cohorts (gnomAD); In silico analysis is inconclusive as to whether the variant alters gene splicing. In the absence of RNA/functional studies, the actual effect of this sequence change is unknown.; Has not been previously published as pathogenic or benign to our knowledge

Labcorp Genetics (formerly Invitae), Labcorp
Classification: Uncertain significance. Last evaluated: 2023-12-15. Review status: criteria provided, single submitter. Criteria: Invitae Variant Classification Sherloc (09022015). Collection method: clinical testing. Allele origin: germline.
Comment: This sequence change falls in intron 7 of the DDX58 gene. It does not directly change the encoded amino acid sequence of the DDX58 protein. This variant is not present in population databases (gnomAD no frequency). This variant has not been reported in the literature in individuals affected with DDX58-related conditions. Algorithms developed to predict the effect of sequence changes on RNA splicing suggest that this variant may disrupt the consensus splice site. In summary, the available evidence is currently insufficient to determine the role of this variant in disease. Therefore, it has been classified as a Variant of Uncertain Significance.

NM_014314.4(RIGI):c.954-6T>G

Gene: RIGI (RNA sensor RIG-I; minus strand). Cytogenetic location: 9p21.1.
Variant type: single nucleotide variant.
Coding change: c.954-6T>G on transcript NM_014314.4 (MANE Select); 6 bases into the intron before coding-DNA position 954, T replaced by G.
Molecular consequence: intron variant.
Genome position (GRCh38, 1-based): chr9:32,488,209, A>C on the plus strand (T>G on the coding strand, the complement: RIGI is on the minus strand). VCF-style: chr9-32488209-A-C. GRCh37 (hg19) VCF-style: chr9-32488207-A-C.
Other names: c.345-6T>G (NM_001385912.1); c.939-6T>G (NM_001385913.1); c.954-12T>G (NM_001385907.1); c.954-6T>G (NM_001385909.1); c.510-6T>G (NM_001385914.1); c.513-6T>G (NM_001385910.1).
Identifiers: ClinVar variation 2753861 (VCV002753861.4), dbSNP rs2489331685, ClinGen allele CA2689686919.